The following is an entry in ClinVar:

NM_022081.6(HPS4):c.969G>A (p.Lys323=)

Gene: HPS4 (HPS4 biogenesis of lysosomal organelles complex 3 subunit 2; minus strand). Cytogenetic location: 22q12.1.
Variant type: single nucleotide variant.
Coding change: c.969G>A on transcript NM_022081.6 (MANE Select); coding-DNA position 969, G replaced by A.
Protein change: p.Lys323=; no amino-acid change (lysine 323 retained).
Molecular consequence: synonymous variant. On other transcripts: non-coding transcript variant (8).
Genome position (GRCh38, 1-based): chr22:26,464,661, C>T on the plus strand (G>A on the coding strand, the complement: HPS4 is on the minus strand). VCF-style: chr22-26464661-C-T. GRCh37 (hg19) VCF-style: chr22-26860627-C-T.
Other names: c.969G>A, p.Lys323= (NM_001349896.1, NM_001349898.2, NM_001349899.2 and 5 more transcripts); c.1023G>A, p.Lys341= (NM_001349900.2, NM_001349901.1); c.954G>A, p.Lys318= (NM_152841.2).
Identifiers: ClinVar variation 2097962 (VCV002097962.5), dbSNP rs773460422, ClinGen allele CA10163432.

ClinVar aggregate classification (germline): Likely benign. Review status: criteria provided, multiple submitters, no conflicts (2 of 4 stars). 2 submissions from 2 submitters: Likely benign (2). Last evaluated 2025-08-26.

Conditions:
HPS4-related disorder. Also called: HPS4-related condition.

Allele frequency attached by ClinVar (database versions not stated): gnomAD exomes below 0.00001; ExAC 0.00001.
gnomAD v4.1: 1 of 1,612,244 alleles (0.000062%); highest among the groups gnomAD compares: Non-Finnish European, 0.000085%; no homozygotes.

Submissions (2):

PreventionGenetics, part of Exact Sciences
Classification: Likely benign for HPS4-related condition. Last evaluated: 2025-08-26. Review status: criteria provided, single submitter. Criteria: ACMG Guidelines, 2015. Collection method: clinical testing. Allele origin: germline.
Comment: This variant is classified as likely benign based on ACMG/AMP sequence variant interpretation guidelines (Richards et al. 2015 PMID: 25741868, with internal and published modifications).

Labcorp Genetics (formerly Invitae), Labcorp
Classification: Likely benign. Last evaluated: 2023-04-15. Review status: criteria provided, single submitter. Criteria: Invitae Variant Classification Sherloc (09022015). Collection method: clinical testing. Allele origin: germline.